The following is an entry in ClinVar:

ClinVar aggregate classification (germline): Uncertain significance. Review status: criteria provided, multiple submitters, no conflicts (2 of 4 stars). 2 submissions from 2 submitters: Uncertain significance (2). Last evaluated 2025-11-22.

Conditions:
Hereditary cancer-predisposing syndrome. Also called: Tumor predisposition; Neoplastic Syndromes, Hereditary; Hereditary neoplastic syndrome; Hereditary Cancer Syndrome. Identifiers: Orphanet 140162, MedGen C0027672, MeSH D009386, MONDO:0015356.
Hereditary breast ovarian cancer syndrome. Also called: Hereditary breast and ovarian cancer; Hereditary breast and ovarian cancer syndrome (HBOC); Breast and ovarian cancer; Hereditary breast and ovarian cancer syndrome; BRCA1- and BRCA2-Associated Hereditary Breast and Ovarian Cancer; Hereditary breast and/or ovarian cancer syndrome. Identifiers: Orphanet 145, MedGen C0677776, MeSH D061325, MONDO:0003582. Disease mechanism: loss of function.

Submissions (2):

Labcorp Genetics (formerly Invitae), Labcorp
Classification: Uncertain significance for Hereditary breast ovarian cancer syndrome. Last evaluated: 2025-11-22. Review status: criteria provided, single submitter. Criteria: Invitae Variant Classification Sherloc (09022015). Collection method: clinical testing. Allele origin: germline.
Comment: This sequence change replaces cysteine, which is neutral and slightly polar, with tyrosine, which is neutral and polar, at codon 19 of the BRCA2 protein (p.Cys19Tyr). This variant is not present in population databases (gnomAD no frequency). This variant has not been reported in the literature in individuals affected with BRCA2-related conditions. ClinVar contains an entry for this variant (Variation ID: 630960). Invitae Evidence Modeling of protein sequence and biophysical properties (such as structural, functional, and spatial information, amino acid conservation, physicochemical variation, residue mobility, and thermodynamic stability) indicates that this missense variant is not expected to disrupt BRCA2 protein function with a negative predictive value of 95%. In summary, the available evidence is currently insufficient to determine the role of this variant in disease. Therefore, it has been classified as a Variant of Uncertain Significance.

Color Diagnostics, LLC DBA Color Health
Classification: Uncertain significance for Hereditary cancer-predisposing syndrome. Last evaluated: 2019-06-20. Review status: criteria provided, single submitter. Criteria: ACMG Guidelines, 2015. Collection method: clinical testing. Allele origin: germline.

NM_000059.4(BRCA2):c.56G>A (p.Cys19Tyr)

Gene: BRCA2 (BRCA2 DNA repair associated; plus strand). Cytogenetic location: 13q13.1.
Variant type: single nucleotide variant.
Coding change: c.56G>A on transcript NM_000059.4 (MANE Select); coding-DNA position 56, G replaced by A.
Protein change: p.Cys19Tyr; replaces cysteine 19 with tyrosine.
Molecular consequence: missense variant.
Genome position (GRCh38, 1-based): chr13:32,316,516, G>A. VCF-style: chr13-32316516-G-A. GRCh37 (hg19) VCF-style: chr13-32890653-G-A.
Other names: short protein forms C19Y.
Identifiers: ClinVar variation 630960 (VCV000630960.13), dbSNP rs1370260227, ClinGen allele CA387753081.